The following is an entry in ClinVar:

NM_017739.4(POMGNT1):c.1813C>A (p.Arg605Ser)

Genes: POMGNT1 (protein O-linked mannose N-acetylglucosaminyltransferase 1 (beta 1,2-); minus strand), TSPAN1 (tetraspanin 1; plus strand). Cytogenetic location: 1p34.1.
Variant type: single nucleotide variant.
Coding change: c.1813C>A on transcript NM_017739.4 (MANE Select); coding-DNA position 1813, C replaced by A.
Protein change: p.Arg605Ser; replaces arginine 605 with serine.
Molecular consequence: missense variant.
Genome position (GRCh38, 1-based): chr1:46,189,540, G>T on the plus strand (C>A on the coding strand, the complement: POMGNT1 is on the minus strand). VCF-style: chr1-46189540-G-T. GRCh37 (hg19) VCF-style: chr1-46655212-G-T.
Other names: c.1813C>A (NM_017739.3); c.1813C>A, p.Arg605Ser (NM_001243766.2, NM_001410783.1); c.1747C>A, p.Arg583Ser (NM_001290129.3); c.1384C>A, p.Arg462Ser (NM_001290130.2); short protein forms R462S, R583S, R605S.
Identifiers: ClinVar variation 1067007 (VCV001067007.9), dbSNP rs886044567, ClinGen allele CA340171031.
Genomic context (GRCh38, chr1:46,189,540, plus strand): 5'-CCACCATCAGGAAGTGGTTCTTCTTCCGAAACAATCTCCACAGGCCCCGATGGTTGCCAC[G>T]CACATCCAGGTCCCAGATATGGAGGCACTAGTGAGGGTGGGATGGAGACAGAGACATGGG-3'
Protein context (NP_060209.4, residues 595-615): KCLHIWDLDV[Arg605Ser]GNHRGLWRLF

ClinVar aggregate classification (germline): Likely pathogenic. Review status: criteria provided, multiple submitters, no conflicts (2 of 4 stars). 3 submissions from 3 submitters: Likely pathogenic (3). Last evaluated 2025-03-04.

Conditions:
Autosomal recessive limb-girdle muscular dystrophy. Identifiers: Orphanet 102015, MedGen C2931907, MONDO:0015152.
Muscular dystrophy-dystroglycanopathy (congenital with brain and eye anomalies), type A3. Also called: Congenital muscular dystrophy-dystroglycanopathy with brain and eye anomalies, type A3; WALKER-WARBURG SYNDROME OR MUSCLE-EYE-BRAIN DISEASE, POMGNT1-RELATED; Muscular dystrophy-dystroglycanopathy (congenital with brain and eye anomalies), type A, 3. Identifiers: MedGen C3151519, MONDO:0009667, OMIM 253280.
Retinitis pigmentosa 76 (RP76). Identifiers: MedGen C4310704, MONDO:0014929, OMIM 617123.
Autosomal recessive limb-girdle muscular dystrophy type 2O. Also called: MUSCULAR DYSTROPHY-DYSTROGLYCANOPATHY (LIMB-GIRDLE), TYPE C, 3; Limb-Girdle Muscular Dystrophy Type 3C; MUSCULAR DYSTROPHY-DYSTROGLYCANOPATHY, LIMB-GIRDLE, POMGNT1-RELATED. Identifiers: Orphanet 206564, MedGen C3150417, MONDO:0013161, OMIM 613157.
Muscular dystrophy-dystroglycanopathy (congenital with impaired intellectual development), type B, 3. Also called: Muscular dystrophy-dystroglycanopathy (congenital with intellectual disability), type B3; MUSCULAR DYSTROPHY, CONGENITAL, POMGNT1-RELATED. Identifiers: MedGen C3150412, MONDO:0013155, OMIM 613151.

Submissions (3):

Labcorp Genetics (formerly Invitae), Labcorp
Classification: Likely pathogenic for Autosomal recessive limb-girdle muscular dystrophy type 2O; Muscular dystrophy-dystroglycanopathy (congenital with impaired intellectual development), type B, 3. Last evaluated: 2025-03-04. Review status: criteria provided, single submitter. Criteria: Invitae Variant Classification Sherloc (09022015). Collection method: clinical testing. Allele origin: germline.
Comment: This sequence change replaces arginine, which is basic and polar, with serine, which is neutral and polar, at codon 605 of the POMGNT1 protein (p.Arg605Ser). This variant is not present in population databases (gnomAD no frequency). This variant has not been reported in the literature in individuals affected with POMGNT1-related conditions. ClinVar contains an entry for this variant (Variation ID: 1067007). Invitae Evidence Modeling of protein sequence and biophysical properties (such as structural, functional, and spatial information, amino acid conservation, physicochemical variation, residue mobility, and thermodynamic stability) indicates that this missense variant is expected to disrupt POMGNT1 protein function with a positive predictive value of 95%. This variant disrupts the p.Arg605 amino acid residue in POMGNT1. Other variant(s) that disrupt this residue have been determined to be pathogenic (PMID: 19299310, 19679478, 23689641, 24731844). This suggests that this residue is clinically significant, and that variants that disrupt this residue are likely to be disease-causing. In summary, the currently available evidence indicates that the variant is pathogenic, but additional data are needed to prove that conclusively. Therefore, this variant has been classified as Likely Pathogenic.

Fulgent Genetics
Classification: Likely pathogenic for Muscular dystrophy-dystroglycanopathy (congenital with brain and eye anomalies), type A3; Muscular dystrophy-dystroglycanopathy (congenital with impaired intellectual development), type B, 3; Autosomal recessive limb-girdle muscular dystrophy type 2O; Retinitis pigmentosa 76. Last evaluated: 2024-04-22. Review status: criteria provided, single submitter. Criteria: ACMG Guidelines, 2015. Collection method: clinical testing. Allele origin: germline.

Women's Health and Genetics/Laboratory Corporation of America, LabCorp
Classification: Likely pathogenic for Autosomal recessive limb-girdle muscular dystrophy. Last evaluated: 2024-04-22. Review status: criteria provided, single submitter. Criteria: LabCorp Variant Classification Summary - May 2015. Collection method: clinical testing. Allele origin: germline.
Comment: Variant summary: POMGNT1 c.1813C>A (p.Arg605Ser) results in a non-conservative amino acid change in the encoded protein sequence. Five of five in-silico tools predict a damaging effect of the variant on protein function. The variant was absent in 248792 control chromosomes. To our knowledge, no occurrence of c.1813C>A in individuals affected with Limb-Girdle Muscular Dystrophy, Autosomal Recessive and no experimental evidence demonstrating its impact on protein function have been reported. Other missense variants that affect this residue (p.Arg605His, p.Arg605Pro) have been determined to be pathogenic, suggesting this is a functionally important amino acid. ClinVar contains an entry for this variant (Variation ID: 1067007). Based on the evidence outlined above, the variant was classified as likely pathogenic.

Literature cited by the submitters: PubMed 19299310 (cited by Labcorp Genetics (formerly Invitae), Labcorp); PubMed 19679478 (cited by Labcorp Genetics (formerly Invitae), Labcorp); PubMed 23689641 (cited by Labcorp Genetics (formerly Invitae), Labcorp); PubMed 24731844 (cited by Labcorp Genetics (formerly Invitae), Labcorp).